The following is an entry in ClinVar:

ClinVar aggregate classification (germline): Uncertain significance (1 of 4 stars; one submission).

Conditions:
Propionic acidemia (PROP). Also called: GLYCINEMIA, KETOTIC; HYPERGLYCINEMIA WITH KETOACIDOSIS AND LEUKOPENIA; KETOTIC HYPERGLYCINEMIA. Identifiers: Orphanet 35, MedGen C0268579, MONDO:0011628, OMIM 606054, HP:0003571.

Submission:

Labcorp Genetics (formerly Invitae), Labcorp
Classification: Uncertain significance for Propionic acidemia. Last evaluated: 2021-12-13. Review status: criteria provided, single submitter. Criteria: Invitae Variant Classification Sherloc (09022015). Collection method: clinical testing. Allele origin: germline.
Comment: Advanced modeling of protein sequence and biophysical properties (such as structural, functional, and spatial information, amino acid conservation, physicochemical variation, residue mobility, and thermodynamic stability) performed at Invitae indicates that this missense variant is not expected to disrupt PCCB protein function. This variant has not been reported in the literature in individuals affected with PCCB-related conditions. This variant is not present in population databases (gnomAD no frequency). This sequence change replaces histidine, which is basic and polar, with arginine, which is basic and polar, at codon 292 of the PCCB protein (p.His292Arg). In summary, the available evidence is currently insufficient to determine the role of this variant in disease. Therefore, it has been classified as a Variant of Uncertain Significance.

NM_000532.5(PCCB):c.875A>G (p.His292Arg)

Gene: PCCB (propionyl-CoA carboxylase subunit beta; plus strand). Cytogenetic location: 3q22.3.
Variant type: single nucleotide variant.
Coding change: c.875A>G on transcript NM_000532.5 (MANE Select); coding-DNA position 875, A replaced by G.
Protein change: p.His292Arg; replaces histidine 292 with arginine.
Molecular consequence: missense variant.
Genome position (GRCh38, 1-based): chr3:136,298,063, A>G. VCF-style: chr3-136298063-A-G. GRCh37 (hg19) VCF-style: chr3-136016905-A-G.
Other names: c.935A>G, p.His312Arg (NM_001178014.2); short protein forms H292R, H312R.
Identifiers: ClinVar variation 1510146 (VCV001510146.6), dbSNP rs2108202909, ClinGen allele CA354644958.
Genomic context (GRCh38, chr3:136,298,063, plus strand): 5'-GGGATTTCTTCAACTACCTGCCCCTGAGCAGTCAGGACCCGGCTCCCGTCCGTGAGTGCC[A>G]CGATCCCAGGTGGGTTGTAGGCCGGTGCACCTTCTCTCATTTTGCAGTGTAGCTTGCCTT-3'
Protein context (NP_000523.2, residues 282-302): SQDPAPVREC[His292Arg]DPSDRLVPEL